The following is an entry in ClinVar:

ClinVar aggregate classification (germline): Pathogenic/Likely pathogenic. Review status: criteria provided, multiple submitters, no conflicts (2 of 4 stars). 3 submissions from 3 submitters: Pathogenic (1); Likely pathogenic (2). Last evaluated 2025-08-21.

Conditions:
Perrault syndrome. Also called: Gonadal dysgenesis with auditory dysfunction, autosomal recessive inheritance. Identifiers: Orphanet 2855, MedGen C0685838, MONDO:0017312.
Bifunctional peroxisomal enzyme deficiency (DBIF). Also called: DBP DEFICIENCY; PBFE DEFICIENCY; D-bifunctional protein deficiency. Identifiers: Orphanet 300, MedGen C0342870, MONDO:0009855, OMIM 261515. Disease mechanism: loss of function.
Perrault syndrome 1 (PRLTS1). Also called: GONADAL DYSGENESIS, XX TYPE, WITH DEAFNESS; OVARIAN DYSGENESIS WITH SENSORINEURAL DEAFNESS. Identifiers: Orphanet 2855, Orphanet 642945, MedGen C4551721, MONDO:0009300, OMIM 233400.

Submissions (3):

Natera, Inc.
Classification: Likely pathogenic for Bifunctional peroxisomal enzyme deficiency. Last evaluated: 2025-08-21. Review status: criteria provided, single submitter. Criteria: Natera Variant Classification Schema (03/2026). Collection method: clinical testing. Allele origin: germline.
Comment: The c.1117del variant in HSD17B4 is a frameshift variant predicted to shift the reading frame beginning at codon 373 and leads to a stop codon 9 codons downstream. This variant is expected to result in nonsense mediated decay, truncation, or a dysfunctional protein product. This variant is rare in the general population with a frequency below the threshold expected for the associated phenotype(s). Given the available evidence, this variant is classified as Likely Pathogenic.

Labcorp Genetics (formerly Invitae), Labcorp
Classification: Pathogenic for Perrault syndrome; Bifunctional peroxisomal enzyme deficiency. Last evaluated: 2022-09-29. Review status: criteria provided, single submitter. Criteria: Invitae Variant Classification Sherloc (09022015). Collection method: clinical testing. Allele origin: germline.
Comment: This variant has not been reported in the literature in individuals affected with HSD17B4-related conditions. For these reasons, this variant has been classified as Pathogenic. This variant is not present in population databases (gnomAD no frequency). This sequence change creates a premature translational stop signal (p.Cys373Valfs*9) in the HSD17B4 gene. It is expected to result in an absent or disrupted protein product. Loss-of-function variants in HSD17B4 are known to be pathogenic (PMID: 11810648, 16385454).

Juno Genomics, Hangzhou Juno Genomics, Inc
Classification: Likely pathogenic for Bifunctional peroxisomal enzyme deficiency; Perrault syndrome 1. Review status: criteria provided, single submitter. Criteria: ACMG Guidelines, 2015. Collection method: clinical testing. Allele origin: germline.
Comment: Null variant in a gene where loss of function (LOF) is a known mechanism of disease.;Absent from controls (or at extremely low frequency if recessive) in Genome Aggregation Database.

Literature cited by the submitters: PubMed 11810648 (cited by Labcorp Genetics (formerly Invitae), Labcorp); PubMed 16385454 (cited by Labcorp Genetics (formerly Invitae), Labcorp).

NM_000414.4(HSD17B4):c.1117del (p.Cys373fs)

Gene: HSD17B4 (hydroxysteroid 17-beta dehydrogenase 4; plus strand). Cytogenetic location: 5q23.1.
Variant type: Deletion.
Coding change: c.1117del on transcript NM_000414.4 (MANE Select); coding-DNA position 1117, one base deleted (T; older notation c.1117delT).
Protein change: p.Cys373fs; shifts the reading frame from cysteine 373.
Molecular consequence: frameshift variant. On other transcripts: non-coding transcript variant (2).
Genome position (GRCh38, 1-based): chr5:119,499,461, T deleted. VCF-style (leftmost placement, unchanged base first): chr5-119499460-CT-C. GRCh37 (hg19) VCF-style: chr5-118835155-CT-C.
Other names: c.1192del, p.Cys398fs (NM_001199291.3); c.1063del, p.Cys355fs (NM_001199292.2); c.1045del, p.Cys349fs (NM_001292027.2); c.697del, p.Cys233fs (NM_001292028.2); c.1108del, p.Cys370fs (NM_001374497.1); c.1117del, p.Cys373fs (NM_001374498.1); c.790del, p.Cys264fs (NM_001374499.1); c.676del, p.Cys226fs (NM_001374500.1); and 2 more; short protein forms C226fs, C398fs, C355fs, C370fs, C233fs, C264fs, C373fs, C236fs.
Identifiers: ClinVar variation 2033391 (VCV002033391.7), dbSNP rs2531742954, ClinGen allele CA2580072437.
Genomic context (GRCh38, chr5:119,499,460, plus strand): 5'-AGCGTCAATCAAGGATCCAAAAGATTTGAAATTTATTTATGAAGGAAGTTCTGATTTCTC[CT>C]GTTTGCCCACCTTCGGAGTTATCATAGGTCAGAAATCTATGATGGGTGGAGGATTAGCAG-3'